The following is an entry in ClinVar:

NM_001567.4(INPPL1):c.1615+4A>G

Gene: INPPL1 (inositol polyphosphate phosphatase like 1; plus strand). Cytogenetic location: 11q13.4.
Variant type: single nucleotide variant.
Coding change: c.1615+4A>G on transcript NM_001567.4 (MANE Select); 4 bases into the intron after coding-DNA position 1615, A replaced by G.
Molecular consequence: intron variant.
Genome position (GRCh38, 1-based): chr11:72,231,619, A>G. VCF-style: chr11-72231619-A-G. GRCh37 (hg19) VCF-style: chr11-71942663-A-G.
Identifiers: ClinVar variation 1382642 (VCV001382642.6), dbSNP rs2135430696, ClinGen allele CA2573147668.

ClinVar aggregate classification (germline): Uncertain significance (1 of 4 stars; one submission).

Allele frequency attached by ClinVar (database versions not stated): gnomAD exomes below 0.00001.
gnomAD v4.1: 2 of 1,604,090 alleles (0.00012%); highest among the groups gnomAD compares: Non-Finnish European, 0.00017%; no homozygotes.

Submission:

Labcorp Genetics (formerly Invitae), Labcorp
Classification: Uncertain significance. Last evaluated: 2021-09-21. Review status: criteria provided, single submitter. Criteria: Invitae Variant Classification Sherloc (09022015). Collection method: clinical testing. Allele origin: germline.
Comment: This variant has not been reported in the literature in individuals affected with INPPL1-related conditions. This variant is not present in population databases (ExAC no frequency). This sequence change falls in intron 13 of the INPPL1 gene. It does not directly change the encoded amino acid sequence of the INPPL1 protein. It affects a nucleotide within the consensus splice site of the intron. Variants that disrupt the consensus splice site are a relatively common cause of aberrant splicing (PMID: 17576681, 9536098). Algorithms developed to predict the effect of sequence changes on RNA splicing suggest that this variant may disrupt the consensus splice site. In summary, the available evidence is currently insufficient to determine the role of this variant in disease. Therefore, it has been classified as a Variant of Uncertain Significance.

Literature cited by the submitters: PubMed 17576681; PubMed 9536098.